The following is an entry in ClinVar:

ClinVar aggregate classification (germline): Uncertain significance. Review status: criteria provided, multiple submitters, no conflicts (2 of 4 stars). 2 submissions from 2 submitters: Uncertain significance (2). Last evaluated 2025-08-08.

Conditions:
Inborn genetic diseases. Identifiers: MedGen C0950123, MeSH D030342.

gnomAD v4.1: 49 of 1,599,380 alleles (0.0031%); highest among the groups gnomAD compares: Non-Finnish European, 0.0039%; no homozygotes.

Submissions (2):

Ambry Genetics
Classification: Uncertain significance for Inborn genetic diseases. Last evaluated: 2025-08-08. Review status: criteria provided, single submitter. Criteria: Ambry Variant Classification Scheme 2023. Collection method: clinical testing. Allele origin: germline.

Labcorp Genetics (formerly Invitae), Labcorp
Classification: Uncertain significance. Last evaluated: 2024-04-14. Review status: criteria provided, single submitter. Criteria: Invitae Variant Classification Sherloc (09022015). Collection method: clinical testing. Allele origin: germline.
Comment: This sequence change replaces proline, which is neutral and non-polar, with glutamine, which is neutral and polar, at codon 40 of the HR protein (p.Pro40Gln). This variant is present in population databases (rs192616892, gnomAD 0.006%). This variant has not been reported in the literature in individuals affected with HR-related conditions. ClinVar contains an entry for this variant (Variation ID: 2518673). An algorithm developed to predict the effect of missense changes on protein structure and function (PolyPhen-2) suggests that this variant is likely to be tolerated. In summary, the available evidence is currently insufficient to determine the role of this variant in disease. Therefore, it has been classified as a Variant of Uncertain Significance.

NM_005144.5(HR):c.119C>A (p.Pro40Gln)

Gene: HR (HR lysine demethylase and nuclear receptor corepressor; minus strand). Cytogenetic location: 8p21.3.
Variant type: single nucleotide variant.
Coding change: c.119C>A on transcript NM_005144.5 (MANE Select); coding-DNA position 119, C replaced by A.
Protein change: p.Pro40Gln; replaces proline 40 with glutamine.
Molecular consequence: missense variant.
Genome position (GRCh38, 1-based): chr8:22,129,052, G>T on the plus strand (C>A on the coding strand, the complement: HR is on the minus strand). VCF-style: chr8-22129052-G-T. GRCh37 (hg19) VCF-style: chr8-21986565-G-T.
Other names: c.119C>A, p.Pro40Gln (NM_018411.4); short protein forms P40Q.
Identifiers: ClinVar variation 2518673 (VCV002518673.5), dbSNP rs192616892, ClinGen allele CA4662790.